The following is an entry in ClinVar:

ClinVar aggregate classification (germline): Conflicting classifications of pathogenicity. Review status: no assertion criteria provided (0 of 4 stars). 2 submissions from 2 submitters: Uncertain significance (1); Likely benign (1). Last evaluated 2019-06-11.

Conditions:
FSIP2-related disorder. Also called: FSIP2-related condition.

Allele frequency attached by ClinVar (database versions not stated): gnomAD 0.00001 and 0.00015; TOPMed 0.00002; gnomAD exomes 0.00028 and 0.00084; 1000 Genomes Project 0.00080; 1000 Genomes Project 30x 0.00094; ExAC 0.00279.
gnomAD v4.1: 400 of 1,533,824 alleles (0.026%); highest among the groups gnomAD compares: South Asian, 0.46%; 2 homozygotes.

Submissions (2):

PreventionGenetics, part of Exact Sciences
Classification: Likely benign for FSIP2-related condition. Last evaluated: 2019-06-11. Review status: no assertion criteria provided. Collection method: clinical testing. Allele origin: germline.
Comment: This variant is classified as likely benign based on ACMG/AMP sequence variant interpretation guidelines (Richards et al. 2015 PMID: 25741868, with internal and published modifications).

Department of Pathology and Laboratory Medicine, Sinai Health System
Classification: Uncertain significance. Review status: no assertion criteria provided. Collection method: clinical testing. Allele origin: unknown. Affected: yes. Study: The Canadian Open Genetics Repository (COGR).
Comment: The FSIP2 p.Phe2514Leu variant was not identified in the literature nor was it identified in ClinVar or LOVD 3.0. The variant was identified in dbSNP (ID: rs551594235) and in control databases in 114 of 136092 chromosomes at a frequency of 0.0008377 increasing the likelihood this could be a low frequency benign variant (Genome Aggregation Database March 6, 2019, v2.1.1). The variant was observed in the following populations: South Asian in 112 of 22162 chromosomes (freq: 0.005054) and Other in 2 of 4198 chromosomes (freq: 0.000476), but was not observed in the African, Latino, Ashkenazi Jewish, East Asian, European (Finnish), or European (non-Finnish) populations. The p.Phe2514 residue is not conserved in mammals and computational analyses (PolyPhen-2, SIFT, AlignGVGD, BLOSUM, MutationTaster) do not suggest a high likelihood of impact to the protein; however, this information is not predictive enough to rule out pathogenicity. The variant occurs outside of the splicing consensus sequence and in silico or computational prediction software programs (SpliceSiteFinder, MaxEntScan, NNSPLICE, GeneSplicer) do not predict a difference in splicing. In summary, based on the above information the clinical significance of this variant cannot be determined with certainty at this time. This variant is classified as a variant of uncertain significance.

NM_173651.4(FSIP2):c.7540T>C (p.Phe2514Leu)

Genes: FSIP2-AS1 (FSIP2 antisense RNA 1; minus strand), FSIP2 (fibrous sheath interacting protein 2; plus strand). Cytogenetic location: 2q32.1.
Variant type: single nucleotide variant.
Coding change: c.7540T>C on transcript NM_173651.4 (MANE Select); coding-DNA position 7540, T replaced by C.
Protein change: p.Phe2514Leu; replaces phenylalanine 2514 with leucine.
Molecular consequence: missense variant.
Genome position (GRCh38, 1-based): chr2:185,794,676, T>C. VCF-style: chr2-185794676-T-C. GRCh37 (hg19) VCF-style: chr2-186659403-T-C.
Other names: c.7540T>C (NM_173651.3); short protein forms F2514L.
Identifiers: ClinVar variation 1049600 (VCV001049600.3), dbSNP rs551594235, ClinGen allele CA2016793.